The following is an entry in ClinVar:

NM_198253.3(TERT):c.1342C>G (p.Leu448Val)

Gene: TERT (telomerase reverse transcriptase; minus strand). Cytogenetic location: 5p15.33.
Variant type: single nucleotide variant.
Coding change: c.1342C>G on transcript NM_198253.3 (MANE Select); coding-DNA position 1342, C replaced by G.
Protein change: p.Leu448Val; replaces leucine 448 with valine.
Molecular consequence: missense variant. On other transcripts: non-coding transcript variant (2).
Genome position (GRCh38, 1-based): chr5:1,293,544, G>C on the plus strand (C>G on the coding strand, the complement: TERT is on the minus strand). VCF-style: chr5-1293544-G-C. GRCh37 (hg19) VCF-style: chr5-1293659-G-C.
Other names: c.1342C>G, p.Leu448Val (NM_001193376.3); short protein forms L448V.
Identifiers: ClinVar variation 3455198 (VCV003455198.1).
Genomic context (GRCh38, chr5:1,293,544, plus strand): 5'-AGGCCCGCACGAAGCCGTACACCTGCCAGGGGCTGCTGTGCTGGCGGAGCAGCTGCACCA[G>C]GCGACGGGGGTCTGTGTCCTCCTCCTCGGGGGCCGCCACAGAGCCCTGGGGCTTCTCCCG-3'
Protein context (NP_937983.2, residues 438-458): PEEEDTDPRR[Leu448Val]VQLLRQHSSP

ClinVar aggregate classification (germline): Uncertain significance (1 of 4 stars; one submission).

Conditions:
Dyskeratosis congenita. Identifiers: Orphanet 1775, MedGen C0265965, MONDO:0015780.

Submission:

Ambry Genetics
Classification: Uncertain significance for Dyskeratosis congenita. Last evaluated: 2024-09-30. Review status: criteria provided, single submitter. Criteria: Ambry Variant Classification Scheme 2023. Collection method: clinical testing. Allele origin: germline.
Comment: The p.L448V variant (also known as c.1342C>G), located in coding exon 2 of the TERT gene, results from a C to G substitution at nucleotide position 1342. The leucine at codon 448 is replaced by valine, an amino acid with highly similar properties. This amino acid position is conserved. In addition, the in silico prediction for this alteration is inconclusive. Based on the available evidence, the clinical significance of this variant remains unclear.